The following is an entry in ClinVar:

ClinVar aggregate classification (germline): Uncertain significance (1 of 4 stars; one submission).

Conditions:
SEMA3E-related disorder. Also called: SEMA3E-related condition.

Submission:

PreventionGenetics, part of Exact Sciences
Classification: Uncertain significance for SEMA3E-related condition. Last evaluated: 2026-07-13. Review status: criteria provided, single submitter. Criteria: ACMG Guidelines, 2015. Collection method: clinical testing. Allele origin: germline.
Comment: The SEMA3E c.1115G>A variant is predicted to result in the amino acid substitution p.Gly372Glu. To our knowledge, this variant has not been reported in the literature or in a large population database (gnomAD), indicating this variant is rare. At this time, the clinical significance of this variant is uncertain due to the absence of conclusive functional and genetic evidence.

NM_012431.3(SEMA3E):c.1115G>A (p.Gly372Glu)

Gene: SEMA3E (semaphorin 3E; minus strand). Cytogenetic location: 7q21.11.
Variant type: single nucleotide variant.
Coding change: c.1115G>A on transcript NM_012431.3 (MANE Select); coding-DNA position 1115, G replaced by A.
Protein change: p.Gly372Glu; replaces glycine 372 with glutamic acid.
Molecular consequence: missense variant.
Genome position (GRCh38, 1-based): chr7:83,402,660, C>T on the plus strand (G>A on the coding strand, the complement: SEMA3E is on the minus strand). VCF-style: chr7-83402660-C-T. GRCh37 (hg19) VCF-style: chr7-83031976-C-T.
Other names: c.935G>A, p.Gly312Glu (NM_001178129.2); short protein forms G312E, G372E.
Identifiers: ClinVar variation 4991061 (VCV004991061.1).
Genomic context (GRCh38, chr7:83,402,660, plus strand): 5'-ATAAGAATTATTTGTTATATAACTAAACTTACAGAACCAGGCCTTGGATAAGGGACTTTT[C>T]CTTCATAGACTGACCAGTGGTATTCAGGTCCTTCCTTATGTGCATATGGTCCGTTGAAGG-3'
Protein context (NP_036563.1, residues 362-382): GPEYHWSVYE[Gly372Glu]KVPYPRPGSC